The following is an entry in ClinVar:

NM_021120.4(DLG3):c.2347+51_2352del

Gene: DLG3 (discs large MAGUK scaffold protein 3; plus strand). Cytogenetic location: Xq13.1.
Variant type: Deletion.
Coding change: c.2347+51_2352del on transcript NM_021120.4 (MANE Select); 51 bases into the intron after coding-DNA position 2347 through coding-DNA position 2352, 1,128 bases deleted.
Molecular consequence: splice acceptor variant.
Genome position (GRCh38, 1-based): chrX:70,501,040-70,502,167, 1,128 bases deleted. GRCh37 (hg19): chrX:69,720,890-69,722,017.
Other names: c.1432+51_1437del (NM_020730.3); c.994+51_999del (NM_001166278.2).
Identifiers: ClinVar variation 3770142 (VCV003770142.1).

ClinVar aggregate classification (germline): Uncertain significance (1 of 4 stars; one submission).

Conditions:
Intellectual developmental disorder, X-linked 90. Also called: DLG3-Related X-Linked Nonsyndromic Mental Retardation; Intellectual disability, X-linked 90. Identifiers: Orphanet 777, MedGen C3275443, MONDO:0010452, OMIM 300850.

Submission:

Equipe Genetique des Anomalies du Developpement, Université de Bourgogne
Classification: Uncertain significance for Intellectual developmental disorder, X-linked 90. Last evaluated: 2025-01-31. Review status: criteria provided, single submitter. Criteria: ACMG Guidelines, 2015. Collection method: clinical testing. Allele origin: germline. Affected: yes.
Comment: This copy number variant is a deletion encompassing the beginning of the last exon of DLG3. Hemizygous pathogenic variants in DLG3 are reported in an autosomal dominant intellectual disability (OMIM #300850). The variant was classified as of uncertain significance.